The following is an entry in ClinVar:

NM_001130987.2(DYSF):c.982del (p.Ala328fs)

Gene: DYSF (dysferlin; plus strand). Cytogenetic location: 2p13.2.
Variant type: Deletion.
Coding change: c.982del on transcript NM_001130987.2 (MANE Select); coding-DNA position 982, one base deleted (G; older notation c.982delG).
Protein change: p.Ala328fs; shifts the reading frame from alanine 328.
Molecular consequence: frameshift variant.
Genome position (GRCh38, 1-based): chr2:71,517,019, G deleted. VCF-style (leftmost placement, unchanged base first): chr2-71517018-TG-T. GRCh37 (hg19) VCF-style: chr2-71744148-TG-T.
Other names: c.889del, p.Ala297fs (NM_001130455.2, NM_001130983.2, NM_001130984.2 and 1 more transcripts); c.886del, p.Ala296fs (NM_001130976.2, NM_001130977.2, NM_001130978.2 and 1 more transcripts); c.979del, p.Ala327fs (NM_001130979.2, NM_001130980.2, NM_001130981.2); c.982del, p.Ala328fs (NM_001130982.2, NM_001130985.2); short protein forms A296fs, A327fs, A328fs, A297fs.
Identifiers: ClinVar variation 2585425 (VCV002585425.1), dbSNP rs2545427870, ClinGen allele CA2582342405.
Genomic context (GRCh38, chr2:71,517,018, plus strand): 5'-GAATGTGAGTTTCCATGATCTTTCTCTGCAGGTGGTAGACTCTCGTTCTCTCAGGACAGA[TG>T]CTCTCCTCGGGGAGTTCCGGGTAATTGCTTATTTTCTATGAAAGCAGTCAGTTCTCACTT-3'

ClinVar aggregate classification (germline): Likely pathogenic (1 of 4 stars; one submission).

Conditions:
Autosomal recessive limb-girdle muscular dystrophy type 2B (LGMDR2). Also called: Limb-Girdle Muscular Dystrophy Type 2B (LGMD2B); Limb-girdle muscular dystrophy, type 2B; MUSCULAR DYSTROPHY, LIMB-GIRDLE, TYPE 3; MUSCULAR DYSTROPHY, LIMB-GIRDLE, AUTOSOMAL RECESSIVE 2. Identifiers: Orphanet 268, MedGen C1850889, MONDO:0009676, OMIM 253601.

Submission:

Neuberg Centre For Genomic Medicine, NCGM
Classification: Likely pathogenic for Autosomal recessive limb-girdle muscular dystrophy type 2B. Review status: criteria provided, single submitter. Criteria: ACMG Guidelines, 2015. Collection method: clinical testing. Allele origin: germline. Inheritance: Autosomal recessive inheritance. Affected: yes.
Comment: The frameshift variant c.982del (p.Ala328LeufsTer42) in DYSF gene has not been reported previously as a pathogenic variant nor as a benign variant, to our knowledge. The p.Ala328LeufsTer42 variant is novel (not in any individuals) in gnomAD Exomes and 1000 Genomes. This variant causes a frameshift starting with codon Alanine 328, changes this amino acid to Leucine residue, and creates a premature Stop codon at position 42 of the new reading frame, denoted p.Ala328LeufsTer42. This variant is predicted to cause loss of normal protein function through protein truncation. Loss of function variants have been previously reported to be disease causing. For these reasons, this variant has been classified as Likely Pathogenic .